The following is an entry in ClinVar:

ClinVar aggregate classification (germline): Uncertain significance (1 of 4 stars; one submission).

Conditions:
Hereditary cancer-predisposing syndrome. Also called: Neoplastic Syndromes, Hereditary; Tumor predisposition; Hereditary Cancer Syndrome; Hereditary neoplastic syndrome. Identifiers: Orphanet 140162, MedGen C0027672, MeSH D009386, MONDO:0015356.

Submission:

Ambry Genetics
Classification: Uncertain significance for Hereditary cancer-predisposing syndrome. Last evaluated: 2020-01-02. Review status: criteria provided, single submitter. Criteria: Ambry Variant Classification Scheme 2023. Collection method: clinical testing. Allele origin: germline.
Comment: The p.E725D variant (also known as c.2175G>C), located in coding exon 15 of the MSH3 gene, results from a G to C substitution at nucleotide position 2175. The glutamic acid at codon 725 is replaced by aspartic acid, an amino acid with highly similar properties. This amino acid position is poorly conserved in available vertebrate species. In addition, this alteration is predicted to be tolerated by in silico analysis. Since supporting evidence is limited at this time, the clinical significance of this alteration remains unclear.

NM_002439.5(MSH3):c.2175G>C (p.Glu725Asp)

Gene: MSH3 (mutS homolog 3; plus strand). Cytogenetic location: 5q14.1.
Variant type: single nucleotide variant.
Coding change: c.2175G>C on transcript NM_002439.5 (MANE Select); coding-DNA position 2175, G replaced by C.
Protein change: p.Glu725Asp; replaces glutamic acid 725 with aspartic acid.
Molecular consequence: missense variant.
Genome position (GRCh38, 1-based): chr5:80,768,925, G>C. VCF-style: chr5-80768925-G-C. GRCh37 (hg19) VCF-style: chr5-80064744-G-C.
Other names: short protein forms E725D.
Identifiers: ClinVar variation 1787177 (VCV001787177.2), dbSNP rs2546774270, ClinGen allele CA360279512.
Genomic context (GRCh38, chr5:80,768,925, plus strand): 5'-CCTTTCTGACTTCCCTTTAATAAAAAAGAGGAAGGATGAAATTCAAGGTGTTATTGACGA[G>C]ATCCGAATGCATTTGCAAGAAATACGAAAAATACTAAAAAATCCTTCTGCACAATATGTG-3'
Protein context (NP_002430.3, residues 715-735): RKDEIQGVID[Glu725Asp]IRMHLQEIRK